The following is an entry in ClinVar:

NM_006270.5(RRAS):c.610A>G (p.Ser204Gly)

Gene: RRAS (RAS related; minus strand). Cytogenetic location: 19q13.33.
Variant type: single nucleotide variant.
Coding change: c.610A>G on transcript NM_006270.5 (MANE Select); coding-DNA position 610, A replaced by G.
Protein change: p.Ser204Gly; replaces serine 204 with glycine.
Molecular consequence: missense variant.
Genome position (GRCh38, 1-based): chr19:49,635,623, T>C on the plus strand (A>G on the coding strand, the complement: RRAS is on the minus strand). VCF-style: chr19-49635623-T-C. GRCh37 (hg19) VCF-style: chr19-50138880-T-C.
Other names: short protein forms S204G.
Identifiers: ClinVar variation 2039752 (VCV002039752.5), dbSNP rs546673930, ClinGen allele CA9578932.

ClinVar aggregate classification (germline): Uncertain significance. Review status: criteria provided, multiple submitters, no conflicts (2 of 4 stars). 2 submissions from 2 submitters: Uncertain significance (2). Last evaluated 2026-02-20.

Conditions:
Noonan syndrome (NS). Also called: Noonan's syndrome. Identifiers: Orphanet 648, MedGen C0028326, MeSH D009634, MONDO:0018997. Disease mechanism: gain of function.

Allele frequency attached by ClinVar (database versions not stated): gnomAD exomes 0.00002; ExAC 0.00001.
gnomAD v4.1: 22 of 1,435,550 alleles (0.0015%); highest among the groups gnomAD compares: Non-Finnish European, 0.002%; no homozygotes.

Submissions (2):

St. Jude Molecular Pathology, St. Jude Children's Research Hospital
Classification: Uncertain significance for Noonan syndrome. Last evaluated: 2026-02-20. Review status: criteria provided, single submitter. Criteria: St. Jude Assertion Criteria 2020. Collection method: clinical testing. Allele origin: germline.
Comment: The RRAS c.610A>G p.(Ser204Gly) missense change has a maximum subpopulation frequency of 0.0013% in gnomAD v2.1.1. The in silico tool REVEL predicts a benign effect on protein function, but to ou r knowledge this prediction has not been confirmed by functional studies. To our knowledge, this variant has not been reported in individuals with Noonan syndrome. In summary, the evidence currently available is insufficient to determine the clinical sig nificance of this variant. It has therefore been classified as of uncertain significance.

Labcorp Genetics (formerly Invitae), Labcorp
Classification: Uncertain significance for Noonan syndrome. Last evaluated: 2025-02-07. Review status: criteria provided, single submitter. Criteria: Invitae Variant Classification Sherloc (09022015). Collection method: clinical testing. Allele origin: germline.
Comment: This sequence change replaces serine, which is neutral and polar, with glycine, which is neutral and non-polar, at codon 204 of the RRAS protein (p.Ser204Gly). This variant is present in population databases (rs546673930, gnomAD 0.001%). This variant has not been reported in the literature in individuals affected with RRAS-related conditions. ClinVar contains an entry for this variant (Variation ID: 2039752). An algorithm developed to predict the effect of missense changes on protein structure and function (PolyPhen-2) suggests that this variant is likely to be tolerated. In summary, the available evidence is currently insufficient to determine the role of this variant in disease. Therefore, it has been classified as a Variant of Uncertain Significance.